The following is an entry in ClinVar:

ClinVar aggregate classification (germline): Uncertain significance (1 of 4 stars; one submission).

Submission:

GeneDx
Classification: Uncertain significance. Last evaluated: 2024-03-10. Review status: criteria provided, single submitter. Criteria: GeneDx Variant Classification Process June 2021. Collection method: clinical testing. Allele origin: germline. Affected: yes.
Comment: Not observed at significant frequency in large population cohorts (gnomAD); In silico analysis supports that this missense variant has a deleterious effect on protein structure/function; Has not been previously published as pathogenic or benign to our knowledge

NM_000884.3(IMPDH2):c.286A>C (p.Thr96Pro)

Gene: IMPDH2 (inosine monophosphate dehydrogenase 2; minus strand). Cytogenetic location: 3p21.31.
Variant type: single nucleotide variant.
Coding change: c.286A>C on transcript NM_000884.3 (MANE Select); coding-DNA position 286, A replaced by C.
Protein change: p.Thr96Pro; replaces threonine 96 with proline.
Molecular consequence: missense variant. On other transcripts: intron variant (2).
Genome position (GRCh38, 1-based): chr3:49,028,286, T>G on the plus strand (A>C on the coding strand, the complement: IMPDH2 is on the minus strand). VCF-style: chr3-49028286-T-G. GRCh37 (hg19) VCF-style: chr3-49065719-T-G.
Other names: c.286A>C, p.Thr96Pro (NM_001410759.1); c.249+145A>C (NM_001410761.1, NM_001410760.1); short protein forms T96P.
Identifiers: ClinVar variation 3370818 (VCV003370818.1).